The following is an entry in ClinVar:

ClinVar aggregate classification (germline): Uncertain significance (1 of 4 stars; one submission).

Submission:

CeGaT Center for Human Genetics Tuebingen
Classification: Uncertain significance. Last evaluated: 2026-04-01. Review status: criteria provided, single submitter. Criteria: CeGaT Center For Human Genetics Tuebingen Variant Classification Criteria Version 2. Collection method: clinical testing. Allele origin: germline. Affected: yes. Observed: 1 variant allele.
Comment: PKHD1: PM2, BP4

NM_138694.4(PKHD1):c.3854G>A (p.Ser1285Asn)

Gene: PKHD1 (PKHD1 ciliary IPT domain containing fibrocystin/polyductin; minus strand). Cytogenetic location: 6p12.2.
Variant type: single nucleotide variant.
Coding change: c.3854G>A on transcript NM_138694.4 (MANE Select); coding-DNA position 3854, G replaced by A.
Protein change: p.Ser1285Asn; replaces serine 1285 with asparagine.
Molecular consequence: missense variant.
Genome position (GRCh38, 1-based): chr6:52,025,956, C>T on the plus strand (G>A on the coding strand, the complement: PKHD1 is on the minus strand). VCF-style: chr6-52025956-C-T. GRCh37 (hg19) VCF-style: chr6-51890754-C-T.
Other names: c.3854G>A, p.Ser1285Asn (NM_170724.3); short protein forms S1285N.
Identifiers: ClinVar variation 4874398 (VCV004874398.2).